The following is an entry in ClinVar:

NM_001369.3(DNAH5):c.565C>G (p.Leu189Val)

Gene: DNAH5 (dynein axonemal heavy chain 5; minus strand). Cytogenetic location: 5p15.2.
Variant type: single nucleotide variant.
Coding change: c.565C>G on transcript NM_001369.3 (MANE Select); coding-DNA position 565, C replaced by G.
Protein change: p.Leu189Val; replaces leucine 189 with valine.
Molecular consequence: missense variant.
Genome position (GRCh38, 1-based): chr5:13,922,202, G>C on the plus strand (C>G on the coding strand, the complement: DNAH5 is on the minus strand). VCF-style: chr5-13922202-G-C. GRCh37 (hg19) VCF-style: chr5-13922311-G-C.
Other names: short protein forms L189V.
Identifiers: ClinVar variation 1357970 (VCV001357970.3), dbSNP rs1344395624, ClinGen allele CA359222627.

ClinVar aggregate classification (germline): Uncertain significance (1 of 4 stars; one submission).

Conditions:
Primary ciliary dyskinesia. Also called: Ciliary dyskinesia. Identifiers: Orphanet 244, MedGen C0008780, MONDO:0016575, HP:0012265.

Allele frequency attached by ClinVar (database versions not stated): gnomAD exomes below 0.00001 and 0.00004; gnomAD 0.00001; TOPMed 0.00002.
gnomAD v4.1: 52 of 1,613,944 alleles (0.0032%); highest among the groups gnomAD compares: Non-Finnish European, 0.0044%; no homozygotes.

Submission:

Labcorp Genetics (formerly Invitae), Labcorp
Classification: Uncertain significance for Primary ciliary dyskinesia. Last evaluated: 2022-08-09. Review status: criteria provided, single submitter. Criteria: Invitae Variant Classification Sherloc (09022015). Collection method: clinical testing. Allele origin: germline.
Comment: This sequence change replaces leucine, which is neutral and non-polar, with valine, which is neutral and non-polar, at codon 189 of the DNAH5 protein (p.Leu189Val). This variant is present in population databases (no rsID available, gnomAD 0.0009%). This variant has not been reported in the literature in individuals affected with DNAH5-related conditions. ClinVar contains an entry for this variant (Variation ID: 1357970). Advanced modeling of protein sequence and biophysical properties (such as structural, functional, and spatial information, amino acid conservation, physicochemical variation, residue mobility, and thermodynamic stability) performed at Invitae indicates that this missense variant is not expected to disrupt DNAH5 protein function. In summary, the available evidence is currently insufficient to determine the role of this variant in disease. Therefore, it has been classified as a Variant of Uncertain Significance.